The following is an entry in ClinVar:

ClinVar aggregate classification (germline): Benign/Likely benign. Review status: criteria provided, multiple submitters, no conflicts (2 of 4 stars). 2 submissions from 2 submitters: Benign (1); Likely benign (1). Last evaluated 2019-08-07.

Conditions:
CBL-related disorder. Also called: NOONAN SYNDROME-LIKE DISORDER WITHOUT JUVENILE MYELOMONOCYTIC LEUKEMIA; CBL MUTATION-ASSOCIATED SYNDROME; CBL SYNDROME. Identifiers: Orphanet 363972, MedGen C3150803, MONDO:0013308, OMIM 613563.

Allele frequency attached by ClinVar (database versions not stated): gnomAD 0.00035 and 0.00060; TOPMed 0.00065; gnomAD exomes 0.00076 and 0.00130; ExAC 0.00110; 1000 Genomes Project 0.00260; 1000 Genomes Project 30x 0.00265.

Submissions (2):

GeneDx
Classification: Likely benign. Last evaluated: 2019-08-07. Review status: criteria provided, single submitter. Criteria: GeneDx Variant Classification Process June 2021. Collection method: clinical testing. Allele origin: germline. Affected: yes.

Illumina Laboratory Services, Illumina
Classification: Benign for CBL-related disorder. Last evaluated: 2018-01-13. Review status: criteria provided, single submitter. Criteria: ICSL Variant Classification Criteria 13 December 2019. Collection method: clinical testing. Allele origin: germline.
Comment: This variant was observed in the ICSL laboratory as part of a predisposition screen in an ostensibly healthy population. It had not been previously curated by ICSL or reported in the Human Gene Mutation Database (HGMD: prior to June 1st, 2018), and was therefore a candidate for classification through an automated scoring system. Utilizing variant allele frequency, disease prevalence and penetrance estimates, and inheritance mode, an automated score was calculated to assess if this variant is too frequent to cause the disease. Based on the score and internal cut-off values, a variant classified as benign is not then subjected to further curation. The score for this variant resulted in a classification of benign for this disease.

NM_005188.4(CBL):c.*39G>A

Gene: CBL (Cbl proto-oncogene; plus strand). Cytogenetic location: 11q23.3.
Variant type: single nucleotide variant.
Coding change: c.*39G>A on transcript NM_005188.4 (MANE Select); 39 bases downstream of the stop codon, G replaced by A.
Molecular consequence: 3 prime UTR variant.
Genome position (GRCh38, 1-based): chr11:119,299,820, G>A. VCF-style: chr11-119299820-G-A. GRCh37 (hg19) VCF-style: chr11-119170530-G-A.
Identifiers: ClinVar variation 302789 (VCV000302789.7), dbSNP rs17848890, ClinGen allele CA6318831.